The following is an entry in ClinVar:

ClinVar aggregate classification (germline): Conflicting classifications of pathogenicity. Review status: criteria provided, conflicting classifications (1 of 4 stars). 6 submissions from 6 submitters: Uncertain significance (5); Benign (1). Last evaluated 2024-09-06.

Conditions:
Familial thoracic aortic aneurysm and aortic dissection (TAAD). Also called: Thoracic aortic aneurysms and dissections. Identifiers: Orphanet 91387, MedGen C4707243, MONDO:0019625.
Adams-Oliver syndrome 5 (AOS5). Identifiers: Orphanet 974, MedGen C4014970, MONDO:0014459, OMIM 616028.
Aortic valve disease 1 (AOVD1). Identifiers: MedGen C3887892, MONDO:0024523, OMIM 109730.

Allele frequency attached by ClinVar (database versions not stated): TOPMed 0.00002; gnomAD 0.00001; ExAC 0.00002.
gnomAD v4.1: 10 of 1,612,138 alleles (0.00062%); highest among the groups gnomAD compares: East Asian, 0.0022%; no homozygotes.

Submissions (6):

Centre of Medical Genetics, University of Antwerp
Classification: Uncertain significance for Familial thoracic aortic aneurysm and aortic dissection. Last evaluated: 2024-09-06. Review status: criteria provided, single submitter. Criteria: ACMG Guidelines, 2015. Collection method: clinical testing. Allele origin: germline. Affected: yes.

Ambry Genetics
Classification: Uncertain significance for Familial thoracic aortic aneurysm and aortic dissection. Last evaluated: 2024-03-07. Review status: criteria provided, single submitter. Criteria: Ambry Variant Classification Scheme 2023. Collection method: clinical testing. Allele origin: germline.
Comment: The p.R2087Q variant (also known as c.6260G>A), located in coding exon 34 of the NOTCH1 gene, results from a G to A substitution at nucleotide position 6260. The arginine at codon 2087 is replaced by glutamine, an amino acid with highly similar properties. This amino acid position is conserved. In addition, the in silico prediction for this alteration is inconclusive. Since supporting evidence is limited at this time, the clinical significance of this alteration remains unclear.

ARUP Laboratories, Molecular Genetics and Genomics, ARUP Laboratories
Classification: Uncertain significance. Last evaluated: 2024-02-19. Review status: criteria provided, single submitter. Criteria: ARUP Molecular Germline Variant Investigation Process 2024. Collection method: clinical testing. Allele origin: germline.
Comment: The NOTCH1 c.6260G>A; p.Arg2087Gln variant (rs768543030), to our knowledge, is not reported in the medical literature but is reported in ClinVar (Variation ID: 1415264). This variant is found in the general population with an overall allele frequency of 0.002% (4/275,332 alleles) in the Genome Aggregation Database (v2.1.1), but is considered a low confidence variant in the database. Computational analyses are uncertain whether this variant is neutral or deleterious (REVEL: 0.454). Due to limited information, the clinical significance of this variant is uncertain at this time.

Labcorp Genetics (formerly Invitae), Labcorp
Classification: Benign for Adams-Oliver syndrome 5. Last evaluated: 2023-05-22. Review status: criteria provided, single submitter. Criteria: Invitae Variant Classification Sherloc (09022015). Collection method: clinical testing. Allele origin: germline.

GeneDx
Classification: Uncertain significance. Last evaluated: 2023-05-10. Review status: criteria provided, single submitter. Criteria: GeneDx Variant Classification Process June 2021. Collection method: clinical testing. Allele origin: germline. Affected: yes.
Comment: Has not been previously published as pathogenic or benign to our knowledge; Not observed at significant frequency in large population cohorts (gnomAD); In silico analysis supports that this missense variant has a deleterious effect on protein structure/function

Fulgent Genetics
Classification: Uncertain significance for Aortic valve disease 1; Adams-Oliver syndrome 5. Last evaluated: 2021-10-15. Review status: criteria provided, single submitter. Criteria: ACMG Guidelines, 2015. Collection method: clinical testing. Allele origin: unknown.

NM_017617.5(NOTCH1):c.6260G>A (p.Arg2087Gln)

Gene: NOTCH1 (notch receptor 1; minus strand). Cytogenetic location: 9q34.3.
Variant type: single nucleotide variant.
Coding change: c.6260G>A on transcript NM_017617.5 (MANE Select); coding-DNA position 6260, G replaced by A.
Protein change: p.Arg2087Gln; replaces arginine 2087 with glutamine.
Molecular consequence: missense variant.
Genome position (GRCh38, 1-based): chr9:136,497,479, C>T on the plus strand (G>A on the coding strand, the complement: NOTCH1 is on the minus strand). VCF-style: chr9-136497479-C-T. GRCh37 (hg19) VCF-style: chr9-139391931-C-T.
Other names: short protein forms R2087Q.
Identifiers: ClinVar variation 1415264 (VCV001415264.11), dbSNP rs768543030, ClinGen allele CA5339956.
Genomic context (GRCh38, chr9:136,497,479, plus strand): 5'-TGATGCATGCGCTCCTGTGCGATGTCGCGCGGCAGGCGGTCCATATGATCCGTGATGTCC[C>T]GGTTGGCAAAGTGGTCCAGCAGCACCTTGGCGGTCTCGTAGCTGCCCTCCCGGGCGGCCA-3'
Protein context (NP_060087.3, residues 2077-2097): AKVLLDHFAN[Arg2087Gln]DITDHMDRLP